The following is an entry in ClinVar:

NM_000553.6(WRN):c.3773C>G (p.Ser1258Cys)

Gene: WRN (WRN RecQ like helicase; plus strand). Cytogenetic location: 8p12.
Variant type: single nucleotide variant.
Coding change: c.3773C>G on transcript NM_000553.6 (MANE Select); coding-DNA position 3773, C replaced by G.
Protein change: p.Ser1258Cys; replaces serine 1258 with cysteine.
Molecular consequence: missense variant.
Genome position (GRCh38, 1-based): chr8:31,154,709, C>G. VCF-style: chr8-31154709-C-G. GRCh37 (hg19) VCF-style: chr8-31012225-C-G.
Other names: short protein forms S1258C.
Identifiers: ClinVar variation 2830041 (VCV002830041.3), dbSNP rs1454700100, ClinGen allele CA370929155.

ClinVar aggregate classification (germline): Uncertain significance (1 of 4 stars; one submission).

Conditions:
Werner syndrome (WRN). Identifiers: Orphanet 902, MedGen C0043119, MONDO:0010196, OMIM 277700.

Allele frequency attached by ClinVar (database versions not stated): gnomAD exomes below 0.00001.

Submission:

Labcorp Genetics (formerly Invitae), Labcorp
Classification: Uncertain significance for Werner syndrome. Last evaluated: 2023-01-19. Review status: criteria provided, single submitter. Criteria: Invitae Variant Classification Sherloc (09022015). Collection method: clinical testing. Allele origin: germline.
Comment: This variant is not present in population databases (gnomAD no frequency). This variant has not been reported in the literature in individuals affected with WRN-related conditions. An algorithm developed to predict the effect of missense changes on protein structure and function (PolyPhen-2) suggests that this variant is likely to be tolerated. In summary, the available evidence is currently insufficient to determine the role of this variant in disease. Therefore, it has been classified as a Variant of Uncertain Significance. This sequence change replaces serine, which is neutral and polar, with cysteine, which is neutral and slightly polar, at codon 1258 of the WRN protein (p.Ser1258Cys).